The following is an entry in ClinVar:

ClinVar aggregate classification (germline): Uncertain significance (1 of 4 stars; one submission).

Submission:

Labcorp Genetics (formerly Invitae), Labcorp
Classification: Uncertain significance. Last evaluated: 2020-02-14. Review status: criteria provided, single submitter. Criteria: Invitae Variant Classification Sherloc (09022015). Collection method: clinical testing. Allele origin: germline.
Comment: In summary, the available evidence is currently insufficient to determine the role of this variant in disease. Therefore, it has been classified as a Variant of Uncertain Significance. Algorithms developed to predict the effect of missense changes on protein structure and function are either unavailable or do not agree on the potential impact of this missense change (SIFT: "Tolerated"; PolyPhen-2: "Probably Damaging"; Align-GVGD: "Class C0"). This variant has not been reported in the literature in individuals with MSH3-related conditions. This variant is not present in population databases (ExAC no frequency). This sequence change replaces aspartic acid with histidine at codon 352 of the MSH3 protein (p.Asp352His). The aspartic acid residue is highly conserved and there is a moderate physicochemical difference between aspartic acid and histidine.

NM_002439.5(MSH3):c.1054G>C (p.Asp352His)

Gene: MSH3 (mutS homolog 3; plus strand). Cytogenetic location: 5q14.1.
Variant type: single nucleotide variant.
Coding change: c.1054G>C on transcript NM_002439.5 (MANE Select); coding-DNA position 1054, G replaced by C.
Protein change: p.Asp352His; replaces aspartic acid 352 with histidine.
Molecular consequence: missense variant.
Genome position (GRCh38, 1-based): chr5:80,675,009, G>C. VCF-style: chr5-80675009-G-C. GRCh37 (hg19) VCF-style: chr5-79970828-G-C.
Other names: short protein forms D352H.
Identifiers: ClinVar variation 1019266 (VCV001019266.9), dbSNP rs1749806669, ClinGen allele CA360267911.